The following is an entry in ClinVar:

NM_000152.5(GAA):c.2465A>G (p.Tyr822Cys)

Gene: GAA (alpha glucosidase; plus strand). Cytogenetic location: 17q25.3.
Variant type: single nucleotide variant.
Coding change: c.2465A>G on transcript NM_000152.5 (MANE Select); coding-DNA position 2465, A replaced by G.
Protein change: p.Tyr822Cys; replaces tyrosine 822 with cysteine.
Molecular consequence: missense variant.
Genome position (GRCh38, 1-based): chr17:80,117,733, A>G. VCF-style: chr17-80117733-A-G. GRCh37 (hg19) VCF-style: chr17-78091532-A-G.
Other names: c.2465A>G, p.Tyr822Cys (NM_001079803.3, NM_001079804.3, NM_001406741.1 and 1 more transcripts); short protein forms Y822C.
Identifiers: ClinVar variation 2496878 (VCV002496878.2), dbSNP rs2039389134, ClinGen allele CA401325513.
Genomic context (GRCh38, chr17:80,117,733, plus strand): 5'-GGCAGTGGGTGACGCTGCCGGCCCCCCTGGACACCATCAACGTCCACCTCCGGGCTGGGT[A>G]CATCATCCCCCTGCAGGTACCTGGGCCAGGCGGCTATGGTGGGGGTGTGGACAGCACACT-3'
Protein context (NP_000143.2, residues 812-832): DTINVHLRAG[Tyr822Cys]IIPLQGPGLT

ClinVar aggregate classification (germline): Uncertain significance (1 of 4 stars; one submission).

Conditions:
Cardiovascular phenotype. Identifiers: MedGen CN230736.

Allele frequency attached by ClinVar (database versions not stated): TOPMed below 0.00001.

Submission:

Ambry Genetics
Classification: Uncertain significance for Cardiovascular phenotype. Last evaluated: 2022-11-19. Review status: criteria provided, single submitter. Criteria: Ambry Variant Classification Scheme 2023. Collection method: clinical testing. Allele origin: germline.
Comment: The p.Y822C variant (also known as c.2465A>G), located in coding exon 16 of the GAA gene, results from an A to G substitution at nucleotide position 2465. The tyrosine at codon 822 is replaced by cysteine, an amino acid with highly dissimilar properties. This amino acid position is conserved. In addition, the in silico prediction for this alteration is inconclusive. Since supporting evidence is limited at this time, the clinical significance of this alteration remains unclear.